The following is an entry in ClinVar:

NM_001367624.2(ZNF469):c.1827G>A (p.Ser609=)

Gene: ZNF469 (zinc finger protein 469; plus strand). Cytogenetic location: 16q24.2.
Variant type: single nucleotide variant.
Coding change: c.1827G>A on transcript NM_001367624.2 (MANE Select); coding-DNA position 1827, G replaced by A.
Protein change: p.Ser609=; no amino-acid change (serine 609 retained).
Molecular consequence: synonymous variant.
Genome position (GRCh38, 1-based): chr16:88,429,297, G>A. VCF-style: chr16-88429297-G-A. GRCh37 (hg19) VCF-style: chr16-88495705-G-A.
Other names: NM_001127464.1:c.1827G>A; NM_001127464.2:c.1827G>A; p.Ser609=.
Identifiers: ClinVar variation 193171 (VCV000193171.24), dbSNP rs148616993, ClinGen allele CA200374.

ClinVar aggregate classification (germline): Benign/Likely benign. Review status: criteria provided, multiple submitters, no conflicts (2 of 4 stars). 8 submissions from 8 submitters: Benign (7); Likely benign (1). Last evaluated 2026-02-04.

Conditions:
Cardiovascular phenotype. Identifiers: MedGen CN230736.
Ehlers-Danlos syndrome (EDS). Identifiers: Orphanet 98249, MedGen C0013720, MONDO:0020066.

Allele frequency attached by ClinVar (database versions not stated): ExAC 0.01248; 1000 Genomes Project 0.01458; 1000 Genomes Project 30x 0.01640; gnomAD exomes 0.01649 and 0.02434; ESP Exome Variant Server 0.02128; TOPMed 0.02161; gnomAD 0.02362 and 0.02438.
gnomAD v4.1: 37,337 of 1,549,808 alleles (2.4%); highest among the groups gnomAD compares: Non-Finnish European, 2.7%; 559 homozygotes.

Submissions (8):

Labcorp Genetics (formerly Invitae), Labcorp
Classification: Benign. Last evaluated: 2026-02-04. Review status: criteria provided, single submitter. Criteria: Invitae Variant Classification Sherloc (09022015). Collection method: clinical testing. Allele origin: germline.

Women's Health and Genetics/Laboratory Corporation of America, LabCorp
Classification: Benign. Last evaluated: 2026-01-22. Review status: criteria provided, single submitter. Criteria: LabCorp Variant Classification Summary - May 2015. Collection method: clinical testing. Allele origin: germline.

Blueprint Genetics
Classification: Likely benign. Last evaluated: 2024-11-27. Review status: criteria provided, single submitter. Criteria: ACMG Guidelines, 2015. Collection method: clinical testing. Allele origin: germline.

Mayo Clinic Laboratories, Mayo Clinic
Classification: Benign. Last evaluated: 2023-02-23. Review status: criteria provided, single submitter. Criteria: ACMG Guidelines, 2015. Collection method: clinical testing. Allele origin: germline. Observed: 137 variant alleles.
Comment: BS1, BS2, BP4, BP7

Genome Diagnostics Laboratory, The Hospital for Sick Children
Classification: Benign for Ehlers-Danlos syndrome. Last evaluated: 2022-07-16. Review status: criteria provided, single submitter. Criteria: ACMG Guidelines, 2015. Collection method: clinical testing. Allele origin: germline.

Ambry Genetics
Classification: Benign for Cardiovascular phenotype. Last evaluated: 2018-12-21. Review status: criteria provided, single submitter. Criteria: Ambry Variant Classification Scheme 2023. Collection method: clinical testing. Allele origin: germline.

GeneDx
Classification: Benign. Last evaluated: 2016-10-19. Review status: criteria provided, single submitter. Criteria: GeneDx Variant Classification (06012015). Collection method: clinical testing. Allele origin: germline. Affected: yes.
Comment: This variant is considered likely benign or benign based on one or more of the following criteria: it is a conservative change, it occurs at a poorly conserved position in the protein, it is predicted to be benign by multiple in silico algorithms, and/or has population frequency not consistent with disease.

Eurofins Ntd Llc (ga)
Classification: Benign. Last evaluated: 2014-12-29. Review status: criteria provided, single submitter. Criteria: EGL Classification Definitions 2015. Collection method: clinical testing. Allele origin: germline. Observed: 1 variant allele, 1 heterozygote.